The following is an entry in ClinVar:

NM_000051.4(ATM):c.7298A>T (p.Gln2433Leu)

Genes: ATM (ATM serine/threonine kinase; plus strand), C11orf65 (chromosome 11 open reading frame 65; minus strand). Cytogenetic location: 11q22.3.
Variant type: single nucleotide variant.
Coding change: c.7298A>T on transcript NM_000051.4 (MANE Select); coding-DNA position 7298, A replaced by T.
Protein change: p.Gln2433Leu; replaces glutamine 2433 with leucine.
Molecular consequence: missense variant. On other transcripts: intron variant (2).
Genome position (GRCh38, 1-based): chr11:108,329,229, A>T. VCF-style: chr11-108329229-A-T. GRCh37 (hg19) VCF-style: chr11-108199956-A-T.
Other names: c.*38+5991T>A (NM_001351110.2); c.7298A>T, p.Gln2433Leu (NM_001351834.2); c.641-20158T>A (NM_001330368.2); short protein forms Q2433L.
Identifiers: ClinVar variation 826950 (VCV000826950.15), dbSNP rs1591152450, ClinGen allele CA382559826.
Genomic context (GRCh38, chr11:108,329,229, plus strand): 5'-AGCAAGCTCTCCTGAAAAGAGCCAAAGAGGAAGTAGGTCTCCTTAGGGAACATAAAATTC[A>T]GACAAACAGGTAACTAGGTTTCTACAAGTGACAATTTTATGTTCACCAGTTAACTGAGTG-3'
Protein context (NP_000042.3, residues 2423-2443): EVGLLREHKI[Gln2433Leu]TNRYTVKVQR

ClinVar aggregate classification (germline): Uncertain significance. Review status: criteria provided, multiple submitters, no conflicts (2 of 4 stars). 3 submissions from 3 submitters: Uncertain significance (3). Last evaluated 2024-02-02.

Conditions:
Hereditary cancer-predisposing syndrome. Also called: Tumor predisposition; Neoplastic Syndromes, Hereditary; Hereditary Cancer Syndrome; Hereditary neoplastic syndrome. Identifiers: Orphanet 140162, MedGen C0027672, MeSH D009386, MONDO:0015356.
Familial cancer of breast. Also called: Hereditary breast cancer; BREAST CANCER, FAMILIAL; hereditary breast carcinoma. Identifiers: Orphanet 227535, MedGen C0346153, MONDO:0016419, OMIM 114480. Disease mechanism: loss of function.
Ataxia-telangiectasia syndrome (AT). Also called: ATAXIA-TELANGIECTASIA, COMPLEMENTATION GROUP A; ATAXIA-TELANGIECTASIA, FRESNO VARIANT; Ataxia-telangiectasia; Ataxia-telangiectasia, complementation group D; AT, COMPLEMENTATION GROUP C; Ataxia-telangiectasia, complementation group E. Identifiers: Orphanet 100, MedGen C0004135, MONDO:0008840, OMIM 208900.

Submissions (3):

Ambry Genetics
Classification: Uncertain significance for Hereditary cancer-predisposing syndrome. Last evaluated: 2024-02-02. Review status: criteria provided, single submitter. Criteria: Ambry Variant Classification Scheme 2023. Collection method: clinical testing. Allele origin: germline.
Comment: The p.Q2433L variant (also known as c.7298A>T), located in coding exon 48 of the ATM gene, results from an A to T substitution at nucleotide position 7298. The glutamine at codon 2433 is replaced by leucine, an amino acid with dissimilar properties. This amino acid position is well conserved in available vertebrate species. In addition, the in silico prediction for this alteration is inconclusive. Since supporting evidence is limited at this time, the clinical significance of this alteration remains unclear.

Labcorp Genetics (formerly Invitae), Labcorp
Classification: Uncertain significance for Ataxia-telangiectasia syndrome. Last evaluated: 2023-11-27. Review status: criteria provided, single submitter. Criteria: Invitae Variant Classification Sherloc (09022015). Collection method: clinical testing. Allele origin: germline.
Comment: This sequence change replaces glutamine, which is neutral and polar, with leucine, which is neutral and non-polar, at codon 2433 of the ATM protein (p.Gln2433Leu). This variant is not present in population databases (gnomAD no frequency). This variant has not been reported in the literature in individuals affected with ATM-related conditions. ClinVar contains an entry for this variant (Variation ID: 826950). An algorithm developed to predict the effect of missense changes on protein structure and function (PolyPhen-2) suggests that this variant is likely to be tolerated. In summary, the available evidence is currently insufficient to determine the role of this variant in disease. Therefore, it has been classified as a Variant of Uncertain Significance.

Baylor Genetics
Classification: Uncertain significance for Familial cancer of breast. Last evaluated: 2023-10-02. Review status: criteria provided, single submitter. Criteria: ACMG Guidelines, 2015. Collection method: clinical testing. Allele origin: unknown.